The following is an entry in ClinVar:

NM_004333.6(BRAF):c.2059A>G (p.Lys687Glu)

Gene: BRAF (B-Raf proto-oncogene, serine/threonine kinase; minus strand). Cytogenetic location: 7q34.
Variant type: single nucleotide variant.
Coding change: c.2059A>G on transcript NM_004333.6 (MANE Select); coding-DNA position 2059, A replaced by G.
Protein change: p.Lys687Glu; replaces lysine 687 with glutamic acid.
Molecular consequence: missense variant.
Genome position (GRCh38, 1-based): chr7:140,739,880, T>C on the plus strand (A>G on the coding strand, the complement: BRAF is on the minus strand). VCF-style: chr7-140739880-T-C. GRCh37 (hg19) VCF-style: chr7-140439680-T-C.
Other names: c.2059A>G, p.Lys687Glu (NM_001354609.2, NM_001378468.1, NM_001378474.1); c.2179A>G, p.Lys727Glu (NM_001374244.1, NM_001374258.1); c.2068A>G, p.Lys690Glu (NM_001378467.1); c.1993A>G, p.Lys665Glu (NM_001378469.1); c.1957A>G, p.Lys653Glu (NM_001378470.1); c.1948A>G, p.Lys650Glu (NM_001378471.1); c.1903A>G, p.Lys635Glu (NM_001378472.1, NM_001378473.1); c.1795A>G, p.Lys599Glu (NM_001378475.1); short protein forms K599E, K653E, K665E, K727E, K687E, K690E, K635E, K650E.
Identifiers: ClinVar variation 4743134 (VCV004743134.1).
Genomic context (GRCh38, chr7:140,739,880, plus strand): 5'-AGAGTGGTCTCTCATCTCTTTTCTTTTTGAGGCACTCTGCCATTAATCTCTTCATGGCTT[T>C]TGGACAGTTACTCCGTACCTTACTGAGATCTGGAGACAGGTATCCTCGTCCCACCATAAA-3'
Protein context (NP_004324.2, residues 677-697): DLSKVRSNCP[Lys687Glu]AMKRLMAECL

ClinVar aggregate classification (germline): Uncertain significance (1 of 4 stars; one submission).

Conditions:
RASopathy. Also called: rasopathies; Noonan spectrum disorder. Identifiers: Orphanet 536391, MedGen C5555857, MONDO:0021060.

Submission:

Labcorp Genetics (formerly Invitae), Labcorp
Classification: Uncertain significance for RASopathy. Last evaluated: 2025-08-27. Review status: criteria provided, single submitter. Criteria: Invitae Variant Classification Sherloc (09022015). Collection method: clinical testing. Allele origin: germline.
Comment: This sequence change replaces lysine, which is basic and polar, with glutamic acid, which is acidic and polar, at codon 687 of the BRAF protein (p.Lys687Glu). This variant is not present in population databases (gnomAD no frequency). This variant has not been reported in the literature in individuals affected with BRAF-related conditions. Invitae Evidence Modeling of protein sequence and biophysical properties (such as structural, functional, and spatial information, amino acid conservation, physicochemical variation, residue mobility, and thermodynamic stability) has been performed for this missense variant. However, the output from this modeling did not meet the statistical confidence thresholds required to predict the impact of this variant on BRAF protein function. In summary, the available evidence is currently insufficient to determine the role of this variant in disease. Therefore, it has been classified as a Variant of Uncertain Significance.